The following is an entry in ClinVar:

NM_004082.5(DCTN1):c.3823C>T (p.Arg1275Cys)

Gene: DCTN1 (dynactin subunit 1; minus strand). Cytogenetic location: 2p13.1.
Variant type: single nucleotide variant.
Coding change: c.3823C>T on transcript NM_004082.5 (MANE Select); coding-DNA position 3823, C replaced by T.
Protein change: p.Arg1275Cys; replaces arginine 1275 with cysteine.
Molecular consequence: missense variant. On other transcripts: non-coding transcript variant (1).
Genome position (GRCh38, 1-based): chr2:74,361,513, G>A on the plus strand (C>T on the coding strand, the complement: DCTN1 is on the minus strand). VCF-style: chr2-74361513-G-A. GRCh37 (hg19) VCF-style: chr2-74588640-G-A.
Other names: c.3748C>T, p.Arg1250Cys (NM_001135040.3); c.3406C>T, p.Arg1136Cys (NM_001135041.3); c.3697C>T, p.Arg1233Cys (NM_001190836.2); c.3802C>T, p.Arg1268Cys (NM_001190837.2); c.3772C>T, p.Arg1258Cys (NM_001378991.1); c.3754C>T, p.Arg1252Cys (NM_001378992.1); c.3421C>T, p.Arg1141Cys (NM_023019.4); short protein forms R1258C, R1268C, R1141C, R1250C, R1252C, R1275C, R1136C, R1233C.
Identifiers: ClinVar variation 1474510 (VCV001474510.6), dbSNP rs766653950, ClinGen allele CA1721339.

ClinVar aggregate classification (germline): Likely pathogenic (1 of 4 stars; one submission).

Conditions:
Amyotrophic lateral sclerosis type 1 (ALS1). Also called: AMYOTROPHIC LATERAL SCLEROSIS 1, FAMILIAL. Identifiers: Orphanet 803, MedGen C1862939, MONDO:0007103, OMIM 105400.
Perry syndrome. Also called: PARKINSONISM WITH ALVEOLAR HYPOVENTILATION AND MENTAL DEPRESSION. Identifiers: Orphanet 178509, MedGen C1868594, MONDO:0008201, OMIM 168605.
Neuronopathy, distal hereditary motor, type 7B. Also called: HMN VIIB; Distal Hereditary Motor Neuronopathy Type 7B (dHMN7B); LOWER MOTOR NEURON DISEASE, DYNACTIN TYPE; NEURONOPATHY, DISTAL HEREDITARY MOTOR, AUTOSOMAL DOMINANT 14; NEURONOPATHY, DISTAL HEREDITARY MOTOR, HARDING TYPE VIIB; NEUROPATHY, DISTAL HEREDITARY MOTOR, HARDING TYPE VIIB. Identifiers: Orphanet 139589, MedGen C1843315, MONDO:0011879, OMIM 607641.

Allele frequency attached by ClinVar (database versions not stated): ExAC 0.00001; gnomAD exomes 0.00001.

Submission:

Labcorp Genetics (formerly Invitae), Labcorp
Classification: Likely pathogenic for Amyotrophic lateral sclerosis type 1; Neuronopathy, distal hereditary motor, type 7B; Perry syndrome. Last evaluated: 2025-09-14. Review status: criteria provided, single submitter. Criteria: Invitae Variant Classification Sherloc (09022015). Collection method: clinical testing. Allele origin: germline.
Comment: This sequence change replaces arginine, which is basic and polar, with cysteine, which is neutral and slightly polar, at codon 1275 of the DCTN1 protein (p.Arg1275Cys). This variant is present in population databases (rs766653950, gnomAD 0.003%). This missense change has been observed in individual(s) with DCTN1-related conditions (PMID: 28251916, 32023010). In at least one individual the variant was observed to be de novo. ClinVar contains an entry for this variant (Variation ID: 1474510). Invitae Evidence Modeling of protein sequence and biophysical properties (such as structural, functional, and spatial information, amino acid conservation, physicochemical variation, residue mobility, and thermodynamic stability) indicates that this missense variant is not expected to disrupt DCTN1 protein function with a negative predictive value of 95%. Experimental studies have shown that this missense change affects DCTN1 function (PMID: 32023010). In summary, the currently available evidence indicates that the variant is pathogenic, but additional data are needed to prove that conclusively. Therefore, this variant has been classified as Likely Pathogenic.

Literature cited by the submitters: PubMed 28251916; PubMed 32023010.